The following is an entry in ClinVar:

NM_001146.5(ANGPT1):c.334A>G (p.Met112Val)

Gene: ANGPT1 (angiopoietin 1; minus strand). Cytogenetic location: 8q23.1.
Variant type: single nucleotide variant.
Coding change: c.334A>G on transcript NM_001146.5 (MANE Select); coding-DNA position 334, A replaced by G.
Protein change: p.Met112Val; replaces methionine 112 with valine.
Molecular consequence: missense variant.
Genome position (GRCh38, 1-based): chr8:107,347,061, T>C on the plus strand (A>G on the coding strand, the complement: ANGPT1 is on the minus strand). VCF-style: chr8-107347061-T-C. GRCh37 (hg19) VCF-style: chr8-108359289-T-C.
Other names: c.334A>G, p.Met112Val (NM_001199859.3); short protein forms M112V.
Identifiers: ClinVar variation 4715406 (VCV004715406.1).

ClinVar aggregate classification (germline): Uncertain significance (1 of 4 stars; one submission).

Submission:

Labcorp Genetics (formerly Invitae), Labcorp
Classification: Uncertain significance. Last evaluated: 2025-03-18. Review status: criteria provided, single submitter. Criteria: Invitae Variant Classification Sherloc (09022015). Collection method: clinical testing. Allele origin: germline.
Comment: This sequence change replaces methionine, which is neutral and non-polar, with valine, which is neutral and non-polar, at codon 112 of the ANGPT1 protein (p.Met112Val). This variant is not present in population databases (gnomAD no frequency). This variant has not been reported in the literature in individuals affected with ANGPT1-related conditions. An algorithm developed to predict the effect of missense changes on protein structure and function (PolyPhen-2) suggests that this variant is likely to be tolerated. In summary, the available evidence is currently insufficient to determine the role of this variant in disease. Therefore, it has been classified as a Variant of Uncertain Significance.